The following is an entry in ClinVar:

ClinVar aggregate classification (germline): Uncertain significance (1 of 4 stars; one submission).

Conditions:
Hereditary cancer-predisposing syndrome. Also called: Neoplastic Syndromes, Hereditary; Tumor predisposition; Hereditary neoplastic syndrome; Hereditary Cancer Syndrome. Identifiers: Orphanet 140162, MedGen C0027672, MeSH D009386, MONDO:0015356.

Allele frequency attached by ClinVar (database versions not stated): gnomAD exomes below 0.00001.
gnomAD v4.1: 1 of 1,567,474 alleles (0.000064%); highest among the groups gnomAD compares: Non-Finnish European, 0.000086%; no homozygotes.

Submission:

Ambry Genetics
Classification: Uncertain significance for Hereditary cancer-predisposing syndrome. Last evaluated: 2019-06-25. Review status: criteria provided, single submitter. Criteria: Ambry Variant Classification Scheme 2023. Collection method: clinical testing. Allele origin: germline.
Comment: The p.L1321R variant (also known as c.3962T>G), located in coding exon 28 of the SMARCA4 gene, results from a T to G substitution at nucleotide position 3962. The leucine at codon 1321 is replaced by arginine, an amino acid with dissimilar properties. This amino acid position is highly conserved in available vertebrate species. In addition, this alteration is predicted to be deleterious by in silico analysis. Since supporting evidence is limited at this time, the clinical significance of this alteration remains unclear.

NM_003072.5(SMARCA4):c.3962T>G (p.Leu1321Arg)

Gene: SMARCA4 (SWI/SNF related BAF chromatin remodeling complex subunit ATPase 4; plus strand). Cytogenetic location: 19p13.2.
Variant type: single nucleotide variant.
Coding change: c.3962T>G on transcript NM_003072.5 (MANE Select); coding-DNA position 3962, T replaced by G.
Protein change: p.Leu1321Arg; replaces leucine 1321 with arginine.
Molecular consequence: missense variant. On other transcripts: non-coding transcript variant (1).
Genome position (GRCh38, 1-based): chr19:11,034,924, T>G. VCF-style: chr19-11034924-T-G. GRCh37 (hg19) VCF-style: chr19-11145600-T-G.
Other names: c.3962T>G, p.Leu1321Arg (NM_001128844.3, NM_001128849.3); c.3863T>G, p.Leu1288Arg (NM_001128845.2, NM_001128846.2, NM_001128847.4 and 2 more transcripts); short protein forms L1288R, L1321R.
Identifiers: ClinVar variation 824436 (VCV000824436.4), dbSNP rs1600405314, ClinGen allele CA404068006.